The following is an entry in ClinVar:

ClinVar aggregate classification (germline): Uncertain significance (1 of 4 stars; one submission).

Submission:

GeneDx
Classification: Uncertain significance. Last evaluated: 2020-08-24. Review status: criteria provided, single submitter. Criteria: GeneDx Variant Classification Process June 2021. Collection method: clinical testing. Allele origin: germline. Affected: yes.
Comment: Not observed in large population cohorts (Lek et al., 2016); In silico analysis, which includes protein predictors and evolutionary conservation, supports a deleterious effect; Has not been previously published as pathogenic or benign to our knowledge

NM_005045.4(RELN):c.6941G>A (p.Gly2314Glu)

Gene: RELN (reelin; minus strand). Cytogenetic location: 7q22.1.
Variant type: single nucleotide variant.
Coding change: c.6941G>A on transcript NM_005045.4 (MANE Select); coding-DNA position 6941, G replaced by A.
Protein change: p.Gly2314Glu; replaces glycine 2314 with glutamic acid.
Molecular consequence: missense variant.
Genome position (GRCh38, 1-based): chr7:103,539,317, C>T on the plus strand (G>A on the coding strand, the complement: RELN is on the minus strand). VCF-style: chr7-103539317-C-T. GRCh37 (hg19) VCF-style: chr7-103179764-C-T.
Other names: c.6941G>A, p.Gly2314Glu (NM_173054.3); short protein forms G2314E.
Identifiers: ClinVar variation 1318880 (VCV001318880.2), dbSNP rs2117127104, ClinGen allele CA368769496.
Genomic context (GRCh38, chr7:103,539,317, plus strand): 5'-TTCCTACTATCAAGGGTTGTGAAATCATCTTCCAAGACCGTATTACCAGAAATATTTCCT[C>T]CAATAAGAATCTGAAATGTATTTTTAAAAAATCCCAAATTTTCCATTTAGTTTTAAGAAA-3'
Protein context (NP_005036.2, residues 2304-2324): SPWVIDQILI[Gly2314Glu]GNISGNTVLE